The following is an entry in ClinVar:

NM_015001.3(SPEN):c.5103C>T (p.Asp1701=)

Gene: SPEN (spen family transcriptional repressor; plus strand). Cytogenetic location: 1p36.13.
Variant type: single nucleotide variant.
Coding change: c.5103C>T on transcript NM_015001.3 (MANE Select); coding-DNA position 5103, C replaced by T.
Protein change: p.Asp1701=; no amino-acid change (aspartic acid 1701 retained).
Molecular consequence: synonymous variant.
Genome position (GRCh38, 1-based): chr1:15,931,343, C>T. VCF-style: chr1-15931343-C-T. GRCh37 (hg19) VCF-style: chr1-16257838-C-T.
Identifiers: ClinVar variation 3048217 (VCV003048217.2), dbSNP rs145472748, ClinGen allele CA619670.

ClinVar aggregate classification (germline): Likely benign (0 of 4 stars; one submission).

Conditions:
SPEN-related disorder. Also called: SPEN-related condition.

gnomAD v4.1: 463 of 1,614,060 alleles (0.029%); highest among the groups gnomAD compares: Non-Finnish European, 0.038%; 1 homozygote.

Submission:

PreventionGenetics, part of Exact Sciences
Classification: Likely benign for SPEN-related condition. Last evaluated: 2019-11-26. Review status: no assertion criteria provided. Collection method: clinical testing. Allele origin: germline.
Comment: This variant is classified as likely benign based on ACMG/AMP sequence variant interpretation guidelines (Richards et al. 2015 PMID: 25741868, with internal and published modifications).